The following is an entry in ClinVar:

ClinVar aggregate classification (germline): Likely benign (0 of 4 stars; one submission).

Conditions:
FDFT1-related disorder. Also called: FDFT1-related condition.

Allele frequency attached by ClinVar (database versions not stated): gnomAD exomes 0.00005; gnomAD 0.00009; TOPMed 0.00009; ExAC 0.00021; 1000 Genomes Project 30x 0.00078; 1000 Genomes Project 0.00100.
gnomAD v4.1: 83 of 1,608,000 alleles (0.0052%); highest among the groups gnomAD compares: East Asian, 0.16%; no homozygotes.

Submission:

PreventionGenetics, part of Exact Sciences
Classification: Likely benign for FDFT1-related condition. Last evaluated: 2023-04-12. Review status: no assertion criteria provided. Collection method: clinical testing. Allele origin: germline.
Comment: This variant is classified as likely benign based on ACMG/AMP sequence variant interpretation guidelines (Richards et al. 2015 PMID: 25741868, with internal and published modifications).

NM_004462.5(FDFT1):c.1106A>G (p.Gln369Arg)

Gene: FDFT1 (farnesyl-diphosphate farnesyltransferase 1). Cytogenetic location: 8p23.1.
Variant type: single nucleotide variant.
Coding change: c.1106A>G on transcript NM_004462.5 (MANE Select); coding-DNA position 1106, A replaced by G.
Protein change: p.Gln369Arg; replaces glutamine 369 with arginine.
Molecular consequence: missense variant.
Genome position (GRCh38, 1-based): chr8:11,838,461, A>G. VCF-style: chr8-11838461-A-G. GRCh37 (hg19) VCF-style: chr8-11695970-A-G.
Other names: c.1106A>G, p.Gln369Arg (NM_001287742.2, NM_001287743.2); c.914A>G, p.Gln305Arg (NM_001287744.2, NM_001287745.2, NM_001287747.2 and 2 more transcripts); c.1283A>G, p.Gln428Arg (NM_001287750.2); c.851A>G, p.Gln284Arg (NM_001287751.2); c.605A>G, p.Gln202Arg (NM_001287756.2); short protein forms Q202R, Q284R, Q305R, Q369R, Q428R.
Identifiers: ClinVar variation 3050931 (VCV003050931.2), dbSNP rs189378553, ClinGen allele CA4632212.
Genomic context (GRCh38, chr8:11,838,461, plus strand): 5'-TCCCCGACTCAGACCCATCTTCTAGCAAAACAAGGCAGATCATCTCCACCATCCGGACGC[A>G]GAATCTTCCCAACTGTCAGCTGATTTCCCGAAGCCACTACTCCCCCATCTACCTGTCGTT-3'
Protein context (NP_004453.3, residues 359-379): TRQIISTIRT[Gln369Arg]NLPNCQLISR